The following is an entry in ClinVar:

NM_001458.5(FLNC):c.1047+1G>A

Gene: FLNC (filamin C; plus strand). Cytogenetic location: 7q32.1.
Variant type: single nucleotide variant.
Coding change: c.1047+1G>A on transcript NM_001458.5 (MANE Select); the canonical splice donor site of the intron after coding-DNA position 1047, G replaced by A.
Molecular consequence: splice donor variant.
Genome position (GRCh38, 1-based): chr7:128,838,065, G>A. VCF-style: chr7-128838065-G-A. GRCh37 (hg19) VCF-style: chr7-128478119-G-A.
Other names: c.1047+1G>A (NM_001127487.2).
Identifiers: ClinVar variation 1066457 (VCV001066457.7), dbSNP rs762493013, ClinGen allele CA369223469.

ClinVar aggregate classification (germline): Likely pathogenic (1 of 4 stars; one submission).

Conditions:
Myofibrillar myopathy 5. Also called: Filaminopathy (type); FILAMINOPATHY, AUTOSOMAL DOMINANT. Identifiers: Orphanet 171445, MedGen C1836050, MONDO:0012289, OMIM 609524.
Distal myopathy with posterior leg and anterior hand involvement. Also called: WILLIAMS DISTAL MYOPATHY. Identifiers: Orphanet 63273, MedGen C3279722, MONDO:0013550, OMIM 614065.
Hypertrophic cardiomyopathy 26. Also called: Cardiomyopathy, familial hypertrophic, 26. Identifiers: Orphanet 75249, MedGen C4310749, MONDO:0014883, OMIM 617047.

Submission:

Labcorp Genetics (formerly Invitae), Labcorp
Classification: Likely pathogenic for Distal myopathy with posterior leg and anterior hand involvement; Myofibrillar myopathy 5; Hypertrophic cardiomyopathy 26. Last evaluated: 2024-04-09. Review status: criteria provided, single submitter. Criteria: Invitae Variant Classification Sherloc (09022015). Collection method: clinical testing. Allele origin: germline.
Comment: This sequence change affects a donor splice site in intron 6 of the FLNC gene. It is expected to disrupt RNA splicing. Variants that disrupt the donor or acceptor splice site typically lead to a loss of protein function (PMID: 16199547), and loss-of-function variants in FLNC are known to be pathogenic (PMID: 27908349). This variant is not present in population databases (gnomAD no frequency). This variant has not been reported in the literature in individuals affected with FLNC-related conditions. ClinVar contains an entry for this variant (Variation ID: 1066457). Algorithms developed to predict the effect of sequence changes on RNA splicing suggest that this variant may disrupt the consensus splice site. In summary, the currently available evidence indicates that the variant is pathogenic, but additional data are needed to prove that conclusively. Therefore, this variant has been classified as Likely Pathogenic.

Literature cited by the submitters: PubMed 16199547; PubMed 27908349.